The following is an entry in ClinVar:

ClinVar aggregate classification (germline): Uncertain significance. Review status: criteria provided, multiple submitters, no conflicts (2 of 4 stars). 2 submissions from 2 submitters: Uncertain significance (2). Last evaluated 2024-12-02.

Allele frequency attached by ClinVar (database versions not stated): gnomAD exomes 0.00001 and 0.00002; ExAC 0.00002; TOPMed 0.00003; gnomAD 0.00004.
gnomAD v4.1: 23 of 1,613,806 alleles (0.0014%); highest among the groups gnomAD compares: Middle Eastern, 0.016%; no homozygotes.

Submissions (2):

Labcorp Genetics (formerly Invitae), Labcorp
Classification: Uncertain significance. Last evaluated: 2024-12-02. Review status: criteria provided, single submitter. Criteria: Invitae Variant Classification Sherloc (09022015). Collection method: clinical testing. Allele origin: germline.
Comment: This sequence change replaces alanine, which is neutral and non-polar, with serine, which is neutral and polar, at codon 158 of the PNPT1 protein (p.Ala158Ser). This variant is present in population databases (rs766919363, gnomAD 0.008%). This variant has not been reported in the literature in individuals affected with PNPT1-related conditions. ClinVar contains an entry for this variant (Variation ID: 1471110). Invitae Evidence Modeling of protein sequence and biophysical properties (such as structural, functional, and spatial information, amino acid conservation, physicochemical variation, residue mobility, and thermodynamic stability) indicates that this missense variant is not expected to disrupt PNPT1 protein function with a negative predictive value of 80%. In summary, the available evidence is currently insufficient to determine the role of this variant in disease. Therefore, it has been classified as a Variant of Uncertain Significance.

GeneDx
Classification: Uncertain significance. Last evaluated: 2022-06-27. Review status: criteria provided, single submitter. Criteria: GeneDx Variant Classification Process June 2021. Collection method: clinical testing. Allele origin: germline. Affected: yes.
Comment: Not observed at significant frequency in large population cohorts (gnomAD); In silico analysis supports that this missense variant does not alter protein structure/function; Has not been previously published as pathogenic or benign to our knowledge

NM_033109.5(PNPT1):c.472G>T (p.Ala158Ser)

Gene: PNPT1 (polyribonucleotide nucleotidyltransferase 1; minus strand). Cytogenetic location: 2p16.1.
Variant type: single nucleotide variant.
Coding change: c.472G>T on transcript NM_033109.5 (MANE Select); coding-DNA position 472, G replaced by T.
Protein change: p.Ala158Ser; replaces alanine 158 with serine.
Molecular consequence: missense variant.
Genome position (GRCh38, 1-based): chr2:55,680,900, C>A on the plus strand (G>T on the coding strand, the complement: PNPT1 is on the minus strand). VCF-style: chr2-55680900-C-A. GRCh37 (hg19) VCF-style: chr2-55908035-C-A.
Other names: short protein forms A158S.
Identifiers: ClinVar variation 1471110 (VCV001471110.5), dbSNP rs766919363, ClinGen allele CA1668453.
Genomic context (GRCh38, chr2:55,680,900, plus strand): 5'-TACTTTTATACTTACCGCCATTAATTGCTAGGACATCAGGCTCATTTACACCATCTACTG[C>A]TAACAGATTACACAGAACCTGGTAAAAGGGAAAAAATTTGATTTGGAAGGGTTATCATTT-3'
Protein context (NP_149100.2, residues 148-168): YDTQVLCNLL[Ala158Ser]VDGVNEPDVL